The following is an entry in ClinVar:

NM_016734.3(PAX5):c.799A>G (p.Met267Val)

Gene: PAX5 (paired box 5; minus strand). Cytogenetic location: 9p13.2.
Variant type: single nucleotide variant.
Coding change: c.799A>G on transcript NM_016734.3 (MANE Select); coding-DNA position 799, A replaced by G.
Protein change: p.Met267Val; replaces methionine 267 with valine.
Molecular consequence: missense variant. On other transcripts: intron variant (2).
Genome position (GRCh38, 1-based): chr9:36,923,466, T>C on the plus strand (A>G on the coding strand, the complement: PAX5 is on the minus strand). VCF-style: chr9-36923466-T-C. GRCh37 (hg19) VCF-style: chr9-36923463-T-C.
Other names: c.799A>G, p.Met267Val (NM_001280547.2, NM_001280548.2, NM_001280552.2); c.475A>G, p.Met159Val (NM_001280551.2, NM_001280556.2); c.670A>G, p.Met224Val (NM_001280553.2, NM_001280554.2); c.601A>G, p.Met201Val (NM_001280555.2); c.780+43083A>G (NM_001280550.2, NM_001280549.2); short protein forms M159V, M224V, M267V, M201V.
Identifiers: ClinVar variation 3885913 (VCV003885913.1).
Genomic context (GRCh38, chr9:36,923,466, plus strand): 5'-CAGGGGTGGGGCTGGCCAGATTGGCCTTCATGTCGTCCAGCCCACCAGCCAGCGAGGCCA[T>C]GGCTGAATACTCTGTGGTCTGAAAGAAGAAACAGAGACGTCTCAGCACCAAGACTCCACA-3'
Protein context (NP_057953.1, residues 257-277): KPEQTTEYSA[Met267Val]ASLAGGLDDM

ClinVar aggregate classification (germline): Uncertain significance (1 of 4 stars; one submission).

Conditions:
Inborn genetic diseases. Identifiers: MedGen C0950123, MeSH D030342.

gnomAD v4.1: 4 of 1,611,306 alleles (0.00025%); highest among the groups gnomAD compares: South Asian, 0.0022%; no homozygotes.

Submission:

Ambry Genetics
Classification: Uncertain significance for Inborn genetic diseases. Last evaluated: 2025-01-05. Review status: criteria provided, single submitter. Criteria: Ambry Variant Classification Scheme 2023. Collection method: clinical testing. Allele origin: germline.
Comment: The p.M267V variant (also known as c.799A>G), located in coding exon 7 of the PAX5 gene, results from an A to G substitution at nucleotide position 799. The methionine at codon 267 is replaced by valine, an amino acid with highly similar properties. This amino acid position is conserved. In addition, this alteration is predicted to be deleterious by in silico analysis. Based on the available evidence, the clinical significance of this variant remains unclear.